The following is an entry in ClinVar:

NM_014633.5(CTR9):c.3071A>G (p.Asp1024Gly)

Gene: CTR9 (CTR9 component of Paf1/RNA polymerase II complex; plus strand). Cytogenetic location: 11p15.4.
Variant type: single nucleotide variant.
Coding change: c.3071A>G on transcript NM_014633.5 (MANE Select); coding-DNA position 3071, A replaced by G.
Protein change: p.Asp1024Gly; replaces aspartic acid 1024 with glycine.
Molecular consequence: missense variant.
Genome position (GRCh38, 1-based): chr11:10,775,609, A>G. VCF-style: chr11-10775609-A-G. GRCh37 (hg19) VCF-style: chr11-10797156-A-G.
Other names: c.2999A>G, p.Asp1000Gly (NM_001346279.2); short protein forms D1000G, D1024G.
Identifiers: ClinVar variation 1987770 (VCV001987770.4), dbSNP rs1863220105, ClinGen allele CA379678482.
Genomic context (GRCh38, chr11:10,775,609, plus strand): 5'-TGAAGGGAAAAATAAAATCCAAAGCCATAATTTCATCAAGTGATGACTCTTCGGATGAGG[A>G]TAAACTTAAAATTGCTGATGAAGGGTAGGATATTTTCTCTTTGTAAATTCTTCTCATGAT-3'
Protein context (NP_055448.1, residues 1014-1034): ISSSDDSSDE[Asp1024Gly]KLKIADEGHP

ClinVar aggregate classification (germline): Uncertain significance (1 of 4 stars; one submission).

Allele frequency attached by ClinVar (database versions not stated): gnomAD exomes below 0.00001; gnomAD 0.00001.

Submission:

Labcorp Genetics (formerly Invitae), Labcorp
Classification: Uncertain significance. Last evaluated: 2022-07-15. Review status: criteria provided, single submitter. Criteria: Invitae Variant Classification Sherloc (09022015). Collection method: clinical testing. Allele origin: germline.
Comment: This sequence change replaces aspartic acid, which is acidic and polar, with glycine, which is neutral and non-polar, at codon 1024 of the CTR9 protein (p.Asp1024Gly). This variant is not present in population databases (gnomAD no frequency). This variant has not been reported in the literature in individuals affected with CTR9-related conditions. Algorithms developed to predict the effect of missense changes on protein structure and function are either unavailable or do not agree on the potential impact of this missense change (SIFT: "Deleterious"; PolyPhen-2: "Possibly Damaging"; Align-GVGD: "Class C0"). Algorithms developed to predict the effect of sequence changes on RNA splicing suggest that this variant may create or strengthen a splice site. In summary, the available evidence is currently insufficient to determine the role of this variant in disease. Therefore, it has been classified as a Variant of Uncertain Significance.